The following is an entry in ClinVar:

ClinVar aggregate classification (germline): Pathogenic. Review status: criteria provided, multiple submitters, no conflicts (2 of 4 stars). 8 submissions from 8 submitters: Pathogenic (6). 2 of the submissions do not count toward it. Last evaluated 2026-01-22.

Conditions:
COL7A1-related disorder. Also called: COL7A1-related condition; COL7A1- related disorders.
Epidermolysis bullosa dystrophica. Also called: Dystrophic epidermolysis bullosa, Hallopeau-Siemens type (formerly); Dystrophic epidermolysis bullosa. Identifiers: Orphanet 303, MedGen C0079294, MONDO:0006543.
Pretibial dystrophic epidermolysis bullosa. Also called: Pretibial blistering; EPIDERMOLYSIS BULLOSA DYSTROPHICA, PRETIBIAL; Pretibial epidermolysis bullosa. Identifiers: Orphanet 79410, MedGen C0432321, MONDO:0007552, OMIM 131850, HP:0012221.
Recessive dystrophic epidermolysis bullosa (RDEB). Also called: Hallopeau-Siemens Disease; severe generalized recessive dystrophic epidermolysis bullosa; epidermolysis bullosa dystrophica, autosomal recessive; DYSTROPHIC EPIDERMOLYSIS BULLOSA, AUTOSOMAL RECESSIVE; Epidermolysis Bullosa Distrophica Autosomal Recessive (RDEB); EPIDERMOLYSIS BULLOSA DYSTROPHICA, HALLOPEAU-SIEMENS TYPE. Identifiers: Orphanet 79408, Orphanet 79409, MedGen C0079474, MONDO:0009179, OMIM 226600.

Allele frequency attached by ClinVar (database versions not stated): gnomAD exomes below 0.00001; gnomAD 0.00001; TOPMed 0.00001.
gnomAD v4.1: 6 of 1,613,996 alleles (0.00037%); highest among the groups gnomAD compares: South Asian, 0.0011%; no homozygotes.

Submissions (8):

Labcorp Genetics (formerly Invitae), Labcorp
Classification: Pathogenic. Last evaluated: 2026-01-22. Review status: criteria provided, single submitter. Criteria: Invitae Variant Classification Sherloc (09022015). Collection method: clinical testing. Allele origin: germline.
Comment: This sequence change creates a premature translational stop signal (p.Arg185*) in the COL7A1 gene. It is expected to result in an absent or disrupted protein product. Loss-of-function variants in COL7A1 are known to be pathogenic (PMID: 16971478). This variant is present in population databases (no rsID available, gnomAD 0.003%). This premature translational stop signal has been observed in individuals with autosomal recessive dystrophic epidermolysis bullosa (PMID: 9326325, 19665875, 20184583). ClinVar contains an entry for this variant (Variation ID: 279783). For these reasons, this variant has been classified as Pathogenic.

Myriad Genetics, Inc.
Classification: Pathogenic for Recessive dystrophic epidermolysis bullosa. Last evaluated: 2024-09-26. Review status: criteria provided, single submitter. Criteria: Myriad Autosomal Dominant, Autosomal Recessive and X-Linked Classification Criteria (2023). Collection method: clinical testing. Allele origin: unknown.
Comment: NM_000094.3(COL7A1):c.553C>T(R185*) is expected to be pathogenic in the context of dystrophic epidermolysis bullosa. This variant is predicted to lead to an abnormal or absent protein product due to the creation of a premature termination codon in COL7A1, a gene where loss-of-function variants are known to be pathogenic. Please note: this variant was assessed in the context of healthy population screening.

3billion
Classification: Pathogenic for Pretibial dystrophic epidermolysis bullosa. Last evaluated: 2024-01-11. Review status: criteria provided, single submitter. Criteria: ACMG Guidelines, 2015. Collection method: clinical testing. Allele origin: germline. Affected: yes.
Comment: The variant is observed at an extremely low frequency in the gnomAD v2.1.1 dataset (total allele frequency: <0.001%). Predicted Consequence/Location: Stop-gained (nonsense): predicted to result in a loss or disruption of normal protein function through nonsense-mediated decay (NMD) or protein truncation. Multiple pathogenic variants are reported downstream of the variant. The variant has been reported at least twice as pathogenic with clinical assertions and evidence for the classification (ClinVar ID: VCV000279783 /PMID: 9326325). Therefore, this variant is classified as Pathogenic according to the recommendation of ACMG/AMP guideline.

GeneDx
Classification: Pathogenic. Last evaluated: 2021-10-08. Review status: criteria provided, single submitter. Criteria: GeneDx Variant Classification Process June 2021. Collection method: clinical testing. Allele origin: germline. Affected: yes.
Comment: Observed in other patients with autosomal recessive DEB in published literature (Hovnanian A et al., 1997; Escamez MJ et al., 2010); Nonsense variant predicted to result in protein truncation or nonsense mediated decay in a gene for which loss-of-function is a known mechanism of disease; Not observed at significant frequency in large population cohorts (Lek et al., 2016); This variant is associated with the following publications: (PMID: 25201089, 21448560, 25525159, 20184583, 29473190, 31001817, 30011071, 31929295, 33274474, 9326325)

Rady Children's Institute for Genomic Medicine, Rady Children's Hospital San Diego
Classification: Pathogenic for EPIDERMOLYSIS BULLOSA DYSTROPHICA, AUTOSOMAL RECESSIVE. Last evaluated: 2019-05-30. Review status: criteria provided, single submitter. Criteria: ACMG Guidelines, 2015. Collection method: clinical testing. Allele origin: germline. Affected: yes.
Comment: This nonsense variant found in exon 5 of 118 is predicted to result in loss of normal protein function. This variant has been previously reported in patients with autosomal recessive epidermolysis bullosa dystrophica (PMID: 9326325, 21448560, 29473190) and has been classified as Pathogenic by a clinical diagnostic laboratory in the ClinVar database (Variation ID: 279783). It is present in the heterozygous state in the gnomAD population database at a frequency of 0.0004% (1/245764) and thus is presumed to be rare. Based on the available evidence, the c.553C>T (p.Arg185Ter) variant is classified as Pathogenic.

Biomedical Innovation Departament, CIEMAT
Classification: Pathogenic for Dystrophic epidermolysis bullosa. Last evaluated: 2010-06-11. Review status: criteria provided, single submitter. Criteria: ACMG Guidelines, 2015. Collection method: research. Allele origin: germline. Affected: yes. Observed: 3 variant alleles.

PreventionGenetics, part of Exact Sciences
Classification: Pathogenic for COL7A1-related condition. Last evaluated: 2024-07-16. Review status: no assertion criteria provided. Collection method: clinical testing. Allele origin: germline. Not counted in ClinVar's aggregate classification.
Comment: The COL7A1 c.553C>T variant is predicted to result in premature protein termination (p.Arg185*). This nonsense variant along with another missense variant (c.5944G>T, p.(Gly1982Trp)) has been documented in an individual with recessive dystrophic epidermolysis bullosa (RDEB) (Hovnanian et al. 1997. PubMed ID: 9326325). It was also reported in the homozygous state in four members of a family with generalized severe RDEB (Nanda et al. 2018. PubMed ID: 30011071) and in an additional case of RDEB in which a second variant was not identified (Saeidian et al. 2018. PubMed ID: 29473190). Predicted loss-of-function variants in COL7A1 are a well-documented cause of RDEB; and this variant has been consistently classified as pathogenic in ClinVar. In summary, this variant is classified as pathogenic.

Natera, Inc.
Classification: Pathogenic for Dystrophic epidermolysis bullosa. Last evaluated: 2020-08-16. Review status: no assertion criteria provided. Collection method: clinical testing. Allele origin: germline. Not counted in ClinVar's aggregate classification.

Literature cited by the submitters: PubMed 16971478 (cited by Labcorp Genetics (formerly Invitae), Labcorp); PubMed 9326325 (cited by 3 submitters); PubMed 19665875 (cited by Labcorp Genetics (formerly Invitae), Labcorp); PubMed 20184583 (cited by Labcorp Genetics (formerly Invitae), Labcorp).

NM_000094.4(COL7A1):c.553C>T (p.Arg185Ter)

Gene: COL7A1 (collagen type VII alpha 1 chain; minus strand). Cytogenetic location: 3p21.31.
Variant type: single nucleotide variant.
Coding change: c.553C>T on transcript NM_000094.4 (MANE Select); coding-DNA position 553, C replaced by T.
Protein change: p.Arg185Ter; replaces arginine 185 with a stop codon.
Molecular consequence: nonsense.
Genome position (GRCh38, 1-based): chr3:48,593,231, G>A on the plus strand (C>T on the coding strand, the complement: COL7A1 is on the minus strand). VCF-style: chr3-48593231-G-A. GRCh37 (hg19) VCF-style: chr3-48630664-G-A.
Other names: short protein forms R185*.
Identifiers: ClinVar variation 279783 (VCV000279783.19), dbSNP rs886041186, ClinGen allele CA10602899.